The following is an entry in ClinVar:

NM_004393.6(DAG1):c.1966G>A (p.Val656Met)

Gene: DAG1 (dystroglycan 1; plus strand). Cytogenetic location: 3p21.31.
Variant type: single nucleotide variant.
Coding change: c.1966G>A on transcript NM_004393.6 (MANE Select); coding-DNA position 1966, G replaced by A.
Protein change: p.Val656Met; replaces valine 656 with methionine.
Molecular consequence: missense variant.
Genome position (GRCh38, 1-based): chr3:49,532,477, G>A. VCF-style: chr3-49532477-G-A. GRCh37 (hg19) VCF-style: chr3-49569910-G-A.
Other names: c.1966G>A, p.Val656Met (NM_001165928.4, NM_001177634.3, NM_001177635.3 and 9 more transcripts); c.1966G>A (NM_004393.4); short protein forms V656M.
Identifiers: ClinVar variation 539126 (VCV000539126.6), dbSNP rs1313375346, ClinGen allele CA352796525.

ClinVar aggregate classification (germline): Uncertain significance. Review status: criteria provided, multiple submitters, no conflicts (2 of 4 stars). 2 submissions from 2 submitters: Uncertain significance (2). Last evaluated 2025-08-09.

Conditions:
Inborn genetic diseases. Identifiers: MedGen C0950123, MeSH D030342.
Autosomal recessive limb-girdle muscular dystrophy type 2P. Also called: Limb-Girdle Muscular Dystrophy Type 9C; MUSCULAR DYSTROPHY-DYSTROGLYCANOPATHY, LIMB-GIRDLE, DAG1-RELATED; MUSCULAR DYSTROPHY, LIMB-GIRDLE, TYPE 2P. Identifiers: Orphanet 280333, MedGen C4511963, MONDO:0013440, OMIM 613818.
Muscular dystrophy-dystroglycanopathy (congenital with brain and eye anomalies), type A9. Also called: WALKER-WARBURG SYNDROME OR MUSCLE-EYE BRAIN DISEASE, DAG1-RELATED; Muscular dystrophy-dystroglycanopathy (congenital with brain and eye anomalies), type a, 9. Identifiers: Orphanet 370997, Orphanet 899, MedGen C4225291, MONDO:0014683, OMIM 616538.

Allele frequency attached by ClinVar (database versions not stated): gnomAD exomes below 0.00001; TOPMed 0.00001; gnomAD 0.00003.
gnomAD v4.1: 24 of 1,614,064 alleles (0.0015%); highest among the groups gnomAD compares: Non-Finnish European, 0.002%; no homozygotes.

Submissions (2):

Ambry Genetics
Classification: Uncertain significance for Inborn genetic diseases. Last evaluated: 2025-08-09. Review status: criteria provided, single submitter. Criteria: Ambry Variant Classification Scheme 2023. Collection method: clinical testing. Allele origin: germline.

Labcorp Genetics (formerly Invitae), Labcorp
Classification: Uncertain significance for Autosomal recessive limb-girdle muscular dystrophy type 2P; Muscular dystrophy-dystroglycanopathy (congenital with brain and eye anomalies), type A9. Last evaluated: 2022-08-09. Review status: criteria provided, single submitter. Criteria: Invitae Variant Classification Sherloc (09022015). Collection method: clinical testing. Allele origin: germline.
Comment: This variant has not been reported in the literature in individuals affected with DAG1-related conditions. This variant is present in population databases (no rsID available, gnomAD 0.002%). This sequence change replaces valine, which is neutral and non-polar, with methionine, which is neutral and non-polar, at codon 656 of the DAG1 protein (p.Val656Met). ClinVar contains an entry for this variant (Variation ID: 539126). In summary, the available evidence is currently insufficient to determine the role of this variant in disease. Therefore, it has been classified as a Variant of Uncertain Significance. Algorithms developed to predict the effect of missense changes on protein structure and function are either unavailable or do not agree on the potential impact of this missense change (SIFT: "Deleterious"; PolyPhen-2: "Possibly Damaging"; Align-GVGD: "Class C0").